The following is an entry in ClinVar:

NM_007186.6(CEP250):c.852-3T>C

Gene: CEP250 (centrosomal protein 250; plus strand). Cytogenetic location: 20q11.22.
Variant type: single nucleotide variant.
Coding change: c.852-3T>C on transcript NM_007186.6 (MANE Select); 3 bases into the intron before coding-DNA position 852, T replaced by C.
Molecular consequence: intron variant.
Genome position (GRCh38, 1-based): chr20:35,469,887, T>C. VCF-style: chr20-35469887-T-C. GRCh37 (hg19) VCF-style: chr20-34057712-T-C.
Other names: c.-1048-3T>C (NM_001318219.1).
Identifiers: ClinVar variation 1350172 (VCV001350172.6), dbSNP rs2146751973, ClinGen allele CA2573157010.

ClinVar aggregate classification (germline): Uncertain significance (1 of 4 stars; one submission).

Submission:

Labcorp Genetics (formerly Invitae), Labcorp
Classification: Uncertain significance. Last evaluated: 2023-08-04. Review status: criteria provided, single submitter. Criteria: Invitae Variant Classification Sherloc (09022015). Collection method: clinical testing. Allele origin: germline.
Comment: ClinVar contains an entry for this variant (Variation ID: 1350172). Variants that disrupt the consensus splice site are a relatively common cause of aberrant splicing (PMID: 17576681, 9536098). Algorithms developed to predict the effect of sequence changes on RNA splicing suggest that this variant is not likely to affect RNA splicing. This sequence change falls in intron 9 of the CEP250 gene. It does not directly change the encoded amino acid sequence of the CEP250 protein. It affects a nucleotide within the consensus splice site. This variant is not present in population databases (gnomAD no frequency). This variant has not been reported in the literature in individuals affected with CEP250-related conditions. In summary, the available evidence is currently insufficient to determine the role of this variant in disease. Therefore, it has been classified as a Variant of Uncertain Significance.

Literature cited by the submitters: PubMed 17576681; PubMed 9536098.